The following is an entry in ClinVar:

NM_022455.5(NSD1):c.5898_5899insG (p.Phe1967fs)

Gene: NSD1 (nuclear receptor binding SET domain protein 1; plus strand). Cytogenetic location: 5q35.3.
Variant type: Insertion.
Coding change: c.5898_5899insG on transcript NM_022455.5 (MANE Select); coding-DNA positions 5898 to 5899, G inserted.
Protein change: p.Phe1967fs; shifts the reading frame from phenylalanine 1967.
Molecular consequence: frameshift variant.
Genome position: GRCh38 VCF-style: chr5-177282470-A-AG. GRCh37 (hg19) VCF-style: chr5-176709471-A-AG.
Other names: c.5025_5026insG, p.Phe1676Valfs (NM_001365684.2, NM_001409308.1, NM_001409309.1 and 1 more transcripts); c.5898_5899insG, p.Phe1967Valfs (NM_001409301.1, NM_001409302.1, NM_001409303.1); c.5478_5479insG, p.Phe1827Valfs (NM_001409304.1); c.5145_5146insG, p.Phe1716Valfs (NM_001409305.1); c.5136_5137insG, p.Phe1713Valfs (NM_001409306.1, NM_001409307.1); short protein forms F1698fs, F1967fs.
Identifiers: ClinVar variation 450647 (VCV000450647.2), dbSNP rs1554204587, ClinGen allele CA658655911.

ClinVar aggregate classification (germline): Pathogenic (1 of 4 stars; one submission).

Submission:

GeneDx
Classification: Pathogenic. Last evaluated: 2017-07-19. Review status: criteria provided, single submitter. Criteria: GeneDx Variant Classification (06012015). Collection method: clinical testing. Allele origin: germline. Affected: yes.
Comment: The c.5898_5899insG variant in the NSD1 gene has not been reported previously as a pathogenic variant nor as a benign variant, to our knowledge. This variant causes a frameshift starting with codon Phenylalanine 1967, changes this amino acid to a Valine residue, and creates a premature Stop codon at position 4 of the new reading frame, denoted p.Phe1967ValfsX4. This variant is predicted to cause loss of normal protein function either through protein truncation or nonsense-mediated mRNA decay. The c.5898_5899insG variant is not observed in large population cohorts (Lek et al., 2016; 1000 Genomes Consortium et al., 2015; Exome Variant Server). We interpret c.5898_5899insG as a pathogenic variant.